The following is an entry in ClinVar:

ClinVar aggregate classification (germline): Benign. Review status: criteria provided, multiple submitters, no conflicts (2 of 4 stars). 4 submissions from 4 submitters: Benign (4). Last evaluated 2026-01-06.

Conditions:
Microphthalmia, syndromic 9. Also called: ANOPHTHALMIA, CLINICAL, WITH MILD FACIAL DYSMORPHISM AND VARIABLE MALFORMATIONS OF THE LUNG, HEART, AND DIAPHRAGM; ANOPHTHALMIA/MICROPHTHALMIA AND PULMONARY HYPOPLASIA; Matthew-Wood syndrome; PULMONARY AGENESIS, MICROPHTHALMIA, AND DIAPHRAGMATIC DEFECT; SPEAR SYNDROME. Identifiers: Orphanet 2470, MedGen C1832661, MONDO:0011010, OMIM 601186.

Allele frequency attached by ClinVar (database versions not stated): gnomAD exomes 0.00082 and 0.00192; ExAC 0.00212; 1000 Genomes Project 0.00499; 1000 Genomes Project 30x 0.00531; ESP Exome Variant Server 0.00662; TOPMed 0.00704.
gnomAD v4.1: 2,128 of 1,604,706 alleles (0.13%); highest among the groups gnomAD compares: African/African-American, 1.9%; 20 homozygotes.

Submissions (4):

Labcorp Genetics (formerly Invitae), Labcorp
Classification: Benign for Microphthalmia, syndromic 9. Last evaluated: 2026-01-06. Review status: criteria provided, single submitter. Criteria: Invitae Variant Classification Sherloc (09022015). Collection method: clinical testing. Allele origin: germline.

GeneDx
Classification: Benign. Last evaluated: 2020-07-27. Review status: criteria provided, single submitter. Criteria: GeneDx Variant Classification Process June 2021. Collection method: clinical testing. Allele origin: germline. Affected: yes.

Illumina Laboratory Services, Illumina
Classification: Benign for Microphthalmia, syndromic 9. Last evaluated: 2018-01-12. Review status: criteria provided, single submitter. Criteria: ICSL Variant Classification Criteria 13 December 2019. Collection method: clinical testing. Allele origin: germline.
Comment: This variant was observed in the ICSL laboratory as part of a predisposition screen in an ostensibly healthy population. It had not been previously curated by ICSL or reported in the Human Gene Mutation Database (HGMD: prior to June 1st, 2018), and was therefore a candidate for classification through an automated scoring system. Utilizing variant allele frequency, disease prevalence and penetrance estimates, and inheritance mode, an automated score was calculated to assess if this variant is too frequent to cause the disease. Based on the score and internal cut-off values, a variant classified as benign is not then subjected to further curation. The score for this variant resulted in a classification of benign for this disease.

Breakthrough Genomics
Classification: Benign. Review status: criteria provided, single submitter. Criteria: ACMG Guidelines, 2015. Collection method: not provided. Allele origin: germline. Inheritance: Autosomal recessive inheritance. Affected: yes.

NM_022369.4(STRA6):c.1836C>T (p.Asp612=)

Gene: STRA6 (signaling receptor and transporter of retinol STRA6; minus strand). Cytogenetic location: 15q24.1.
Variant type: single nucleotide variant.
Coding change: c.1836C>T on transcript NM_022369.4 (MANE Select); coding-DNA position 1836, C replaced by T.
Protein change: p.Asp612=; no amino-acid change (aspartic acid 612 retained).
Molecular consequence: synonymous variant.
Genome position (GRCh38, 1-based): chr15:74,180,786, G>A on the plus strand (C>T on the coding strand, the complement: STRA6 is on the minus strand). VCF-style: chr15-74180786-G-A. GRCh37 (hg19) VCF-style: chr15-74473127-G-A.
Other names: c.1836C>T, p.Asp612= (NM_001142617.2, NM_001142618.2); c.1809C>T, p.Asp603= (NM_001142619.2); c.1947C>T, p.Asp649= (NM_001199040.2); c.1881C>T, p.Asp627= (NM_001199041.2); c.1953C>T, p.Asp651= (NM_001199042.2).
Identifiers: ClinVar variation 317098 (VCV000317098.17), dbSNP rs142048815, ClinGen allele CA7654429.